The following is an entry in ClinVar:

ClinVar aggregate classification (germline): Uncertain significance (1 of 4 stars; one submission).

Conditions:
BBS9-related disorder. Also called: BBS9-related condition.

Submission:

PreventionGenetics, part of Exact Sciences
Classification: Uncertain significance for BBS9-related condition. Last evaluated: 2026-07-31. Review status: criteria provided, single submitter. Criteria: ACMG Guidelines, 2015. Collection method: clinical testing. Allele origin: germline.
Comment: The BBS9 c.378G>C variant is predicted to result in the amino acid substitution p.Met126Ile. To our knowledge, this variant has not been reported in the literature. This variant is reported in 0.012% of alleles in individuals of African descent in gnomAD. At this time, the clinical significance of this variant is uncertain due to the absence of conclusive functional and genetic evidence.

NM_198428.3(BBS9):c.378G>C (p.Met126Ile)

Gene: BBS9 (Bardet-Biedl syndrome 9; plus strand). Cytogenetic location: 7p14.3.
Variant type: single nucleotide variant.
Coding change: c.378G>C on transcript NM_198428.3 (MANE Select); coding-DNA position 378, G replaced by C.
Protein change: p.Met126Ile; replaces methionine 126 with isoleucine.
Molecular consequence: missense variant. On other transcripts: non-coding transcript variant (3).
Genome position (GRCh38, 1-based): chr7:33,177,527, G>C. VCF-style: chr7-33177527-G-C. GRCh37 (hg19) VCF-style: chr7-33217139-G-C.
Other names: c.378G>C, p.Met126Ile (NM_001033604.2, NM_001033605.2, NM_001348036.1 and 5 more transcripts); c.12G>C, p.Met4Ile (NM_001348037.3, NM_001348044.3, NM_001348045.3 and 1 more transcripts); c.105G>C, p.Met35Ile (NM_001348038.3, NM_001348039.3); c.243G>C, p.Met81Ile (NM_001348042.3); short protein forms M126I, M35I, M4I, M81I.
Identifiers: ClinVar variation 4987820 (VCV004987820.1).
Genomic context (GRCh38, chr7:33,177,527, plus strand): 5'-TTTTTCCTTAGGAACCTTGGGTAATGTGGAACATGGGAACCAATGTCAGATGAAATTGAT[G>C]TATGAACATAATCTTCAGAGAACAGCCTGCAATATGACCTATGGATCATTTGGTGGTGTA-3'
Protein context (NP_940820.1, residues 116-136): EHGNQCQMKL[Met126Ile]YEHNLQRTAC